The following is an entry in ClinVar:

NM_000257.4(MYH7):c.3758A>G (p.Glu1253Gly)

Gene: MYH7 (myosin heavy chain 7; minus strand). Cytogenetic location: 14q11.2.
Variant type: single nucleotide variant.
Coding change: c.3758A>G on transcript NM_000257.4 (MANE Select); coding-DNA position 3758, A replaced by G.
Protein change: p.Glu1253Gly; replaces glutamic acid 1253 with glycine.
Molecular consequence: missense variant.
Genome position (GRCh38, 1-based): chr14:23,419,578, T>C on the plus strand (A>G on the coding strand, the complement: MYH7 is on the minus strand). VCF-style: chr14-23419578-T-C. GRCh37 (hg19) VCF-style: chr14-23888787-T-C.
Other names: c.3758A>G, p.Glu1253Gly (NM_001407004.1); short protein forms E1253G.
Identifiers: ClinVar variation 3636014 (VCV003636014.2).

ClinVar aggregate classification (germline): Uncertain significance (1 of 4 stars; one submission).

Conditions:
Hypertrophic cardiomyopathy. Also called: HYPERTROPHIC MYOCARDIOPATHY. Identifiers: Orphanet 217569, MedGen C0007194, MeSH D002312, MONDO:0005045, HP:0001639.

Submission:

Labcorp Genetics (formerly Invitae), Labcorp
Classification: Uncertain significance for Hypertrophic cardiomyopathy. Last evaluated: 2024-04-29. Review status: criteria provided, single submitter. Criteria: Invitae Variant Classification Sherloc (09022015). Collection method: clinical testing. Allele origin: germline.
Comment: This sequence change replaces glutamic acid, which is acidic and polar, with glycine, which is neutral and non-polar, at codon 1253 of the MYH7 protein (p.Glu1253Gly). This variant is not present in population databases (gnomAD no frequency). This variant has not been reported in the literature in individuals affected with MYH7-related conditions. Advanced modeling of protein sequence and biophysical properties (such as structural, functional, and spatial information, amino acid conservation, physicochemical variation, residue mobility, and thermodynamic stability) performed at Invitae indicates that this missense variant is expected to disrupt MYH7 protein function with a positive predictive value of 95%. In summary, the available evidence is currently insufficient to determine the role of this variant in disease. Therefore, it has been classified as a Variant of Uncertain Significance.